The following is an entry in ClinVar:

NM_005709.4(USH1C):c.1262G>A (p.Gly421Asp)

Gene: USH1C (USH1 protein network component harmonin; minus strand). Cytogenetic location: 11p15.1.
Variant type: single nucleotide variant.
Coding change: c.1262G>A on transcript NM_005709.4 (MANE Plus Clinical); coding-DNA position 1262, G replaced by A.
Protein change: p.Gly421Asp; replaces glycine 421 with aspartic acid.
Molecular consequence: missense variant. On other transcripts: intron variant (1).
Genome position (GRCh38, 1-based): chr11:17,517,423, C>T on the plus strand (G>A on the coding strand, the complement: USH1C is on the minus strand). VCF-style: chr11-17517423-C-T. GRCh37 (hg19) VCF-style: chr11-17538970-C-T.
Other names: c.1205G>A, p.Gly402Asp (NM_001297764.2); c.1211-1133G>A (NM_153676.4); short protein forms G421D, G402D.
Identifiers: ClinVar variation 1520682 (VCV001520682.6), dbSNP rs2133852863, ClinGen allele CA379782439.

ClinVar aggregate classification (germline): Uncertain significance (1 of 4 stars; one submission).

gnomAD v4.1: 3 of 1,593,130 alleles (0.00019%); highest among the groups gnomAD compares: Non-Finnish European, 0.00026%; no homozygotes.

Submission:

Labcorp Genetics (formerly Invitae), Labcorp
Classification: Uncertain significance. Last evaluated: 2025-05-12. Review status: criteria provided, single submitter. Criteria: Invitae Variant Classification Sherloc (09022015). Collection method: clinical testing. Allele origin: germline.
Comment: This sequence change replaces glycine, which is neutral and non-polar, with aspartic acid, which is acidic and polar, at codon 421 of the USH1C protein (p.Gly421Asp). This variant is not present in population databases (gnomAD no frequency). This variant has not been reported in the literature in individuals affected with USH1C-related conditions. ClinVar contains an entry for this variant (Variation ID: 1520682). An algorithm developed to predict the effect of missense changes on protein structure and function (PolyPhen-2) suggests that this variant is likely to be tolerated. In summary, the available evidence is currently insufficient to determine the role of this variant in disease. Therefore, it has been classified as a Variant of Uncertain Significance.